The following is an entry in ClinVar:

NM_014423.4(AFF4):c.329C>T (p.Pro110Leu)

Gene: AFF4 (ALF transcription elongation factor 4; minus strand). Cytogenetic location: 5q31.1.
Variant type: single nucleotide variant.
Coding change: c.329C>T on transcript NM_014423.4 (MANE Select); coding-DNA position 329, C replaced by T.
Protein change: p.Pro110Leu; replaces proline 110 with leucine.
Molecular consequence: missense variant.
Genome position (GRCh38, 1-based): chr5:132,934,736, G>A on the plus strand (C>T on the coding strand, the complement: AFF4 is on the minus strand). VCF-style: chr5-132934736-G-A. GRCh37 (hg19) VCF-style: chr5-132270428-G-A.
Other names: c.329C>T (NM_014423.3); short protein forms P110L.
Identifiers: ClinVar variation 2158320 (VCV002158320.5), dbSNP rs368164320, ClinGen allele CA3409455.

ClinVar aggregate classification (germline): Uncertain significance. Review status: criteria provided, single submitter (1 of 4 stars). 2 submissions from 2 submitters: Uncertain significance (1). 1 of the submissions does not count toward it. Last evaluated 2025-09-08.

Conditions:
Cognitive impairment - coarse facies - heart defects - obesity - pulmonary involvement - short stature - skeletal dysplasia syndrome. Also called: COGNITIVE IMPAIRMENT, COARSE FACIES, HEART DEFECTS, OBESITY, PULMONARY INVOLVEMENT, SHORT STATURE, AND SKELETAL DYSPLASIA; Chops syndrome; AFF4-Related CHOPS Syndrome. Identifiers: Orphanet 444077, MedGen C4085597, MONDO:0014609, OMIM 616368.
AFF4-related disorder. Also called: AFF4-related condition.

Allele frequency attached by ClinVar (database versions not stated): ExAC 0.00002; gnomAD exomes 0.00002; gnomAD 0.00003; TOPMed 0.00004; ESP Exome Variant Server 0.00008.
gnomAD v4.1: 37 of 1,613,928 alleles (0.0023%); highest among the groups gnomAD compares: Non-Finnish European, 0.0026%; no homozygotes.

Submissions (2):

Labcorp Genetics (formerly Invitae), Labcorp
Classification: Uncertain significance for Cognitive impairment - coarse facies - heart defects - obesity - pulmonary involvement - short stature - skeletal dysplasia syndrome. Last evaluated: 2025-09-08. Review status: criteria provided, single submitter. Criteria: Invitae Variant Classification Sherloc (09022015). Collection method: clinical testing. Allele origin: germline.
Comment: This sequence change replaces proline, which is neutral and non-polar, with leucine, which is neutral and non-polar, at codon 110 of the AFF4 protein (p.Pro110Leu). This variant is present in population databases (rs368164320, gnomAD 0.004%). This variant has not been reported in the literature in individuals affected with AFF4-related conditions. ClinVar contains an entry for this variant (Variation ID: 2158320). Invitae Evidence Modeling of protein sequence and biophysical properties (such as structural, functional, and spatial information, amino acid conservation, physicochemical variation, residue mobility, and thermodynamic stability) indicates that this missense variant is expected to disrupt AFF4 protein function with a positive predictive value of 80%. In summary, the available evidence is currently insufficient to determine the role of this variant in disease. Therefore, it has been classified as a Variant of Uncertain Significance.

PreventionGenetics, part of Exact Sciences
Classification: Uncertain significance for AFF4-related condition. Last evaluated: 2024-05-24. Review status: no assertion criteria provided. Collection method: clinical testing. Allele origin: germline. Not counted in ClinVar's aggregate classification.
Comment: The AFF4 c.329C>T variant is predicted to result in the amino acid substitution p.Pro110Leu. To our knowledge, this variant has not been reported in the literature. This variant is reported in 0.0046% of alleles in individuals of European (Finnish) descent in gnomAD. At this time, the clinical significance of this variant is uncertain due to the absence of conclusive functional and genetic evidence.